The following is an entry in ClinVar:

NM_004360.5(CDH1):c.1219C>T (p.Pro407Ser)

Gene: CDH1 (cadherin 1; plus strand). Cytogenetic location: 16q22.1.
Variant type: single nucleotide variant.
Coding change: c.1219C>T on transcript NM_004360.5 (MANE Select); coding-DNA position 1219, C replaced by T.
Protein change: p.Pro407Ser; replaces proline 407 with serine.
Molecular consequence: missense variant. On other transcripts: 5 prime UTR variant (2), intron variant (1).
Genome position (GRCh38, 1-based): chr16:68,813,394, C>T. VCF-style: chr16-68813394-C-T. GRCh37 (hg19) VCF-style: chr16-68847297-C-T.
Other names: c.-397C>T (NM_001317185.2); c.-601C>T (NM_001317186.2); c.1137+1131C>T (NM_001317184.2); short protein forms P407S.
Identifiers: ClinVar variation 1752425 (VCV001752425.2), dbSNP rs2152133456, ClinGen allele CA396461365.

ClinVar aggregate classification (germline): Uncertain significance (1 of 4 stars; one submission).

Conditions:
Hereditary cancer-predisposing syndrome. Also called: Hereditary Cancer Syndrome; Hereditary neoplastic syndrome; Neoplastic Syndromes, Hereditary; Tumor predisposition. Identifiers: Orphanet 140162, MedGen C0027672, MeSH D009386, MONDO:0015356.

Submission:

Ambry Genetics
Classification: Uncertain significance for Hereditary cancer-predisposing syndrome. Last evaluated: 2022-02-18. Review status: criteria provided, single submitter. Criteria: Ambry Variant Classification Scheme 2023. Collection method: clinical testing. Allele origin: germline.
Comment: The p.P407S variant (also known as c.1219C>T), located in coding exon 9 of the CDH1 gene, results from a C to T substitution at nucleotide position 1219. The proline at codon 407 is replaced by serine, an amino acid with similar properties. This amino acid position is not well conserved in available vertebrate species. In addition, this alteration is predicted to be tolerated by in silico analysis. Since supporting evidence is limited at this time, the clinical significance of this alteration remains unclear.